The following is an entry in ClinVar:

NM_000051.4(ATM):c.2377-15_2377-12del

Gene: ATM (ATM serine/threonine kinase; plus strand). Cytogenetic location: 11q22.3.
Variant type: Microsatellite.
Coding change: c.2377-15_2377-12del on transcript NM_000051.4 (MANE Select); 15 bases into the intron before coding-DNA position 2377 through 12 bases into the intron before coding-DNA position 2377, 4 bases deleted (TTGT; older notation c.2377-15_2377-12delTTGT).
Molecular consequence: intron variant.
Genome position (GRCh38, 1-based): chr11:108,258,971-108,258,974, TTGT deleted; deleting any 4 consecutive bases within chr11:108,258,966-108,258,974 gives the same sequence; the c. name uses the placement nearest the transcript's 3' end. VCF-style (leftmost placement, unchanged base first): chr11-108258965-CTTTG-C. GRCh37 (hg19) VCF-style: chr11-108129692-CTTTG-C.
Other names: c.2377-15_2377-12delTTGT (NM_000051.3); c.2377-15_2377-12del (NM_001351834.2).
Identifiers: ClinVar variation 181869 (VCV000181869.15), dbSNP rs730881298, ClinGen allele CA298012.
Genomic context (GRCh38, chr11:108,258,965, plus strand): 5'-CAAGATAGAGAAAACACTGTCTGCCAAGAATAATTGTTTTTATTTCTTTGTTGCTTGGTT[CTTTG>C]TTTGTCTTAATTGCAGAAGAGTCCAAATAAGATTGCATCTGGCTTTTTCCTGCGATTGTT-3'

ClinVar aggregate classification (germline): Likely benign. Review status: criteria provided, multiple submitters, no conflicts (2 of 4 stars). 4 submissions from 4 submitters: Likely benign (4). Last evaluated 2025-12-09.

Conditions:
Hereditary cancer-predisposing syndrome. Also called: Tumor predisposition; Hereditary Cancer Syndrome; Hereditary neoplastic syndrome; Neoplastic Syndromes, Hereditary. Identifiers: Orphanet 140162, MedGen C0027672, MeSH D009386, MONDO:0015356.
Familial cancer of breast. Also called: BREAST CANCER, FAMILIAL; hereditary breast carcinoma; Hereditary breast cancer. Identifiers: Orphanet 227535, MedGen C0346153, MONDO:0016419, OMIM 114480. Disease mechanism: loss of function.
Ataxia-telangiectasia syndrome (AT). Also called: LOUIS-BAR SYNDROME; Cerebello-oculocutaneous telangiectasia; Immunodeficiency with ataxia telangiectasia; ATAXIA-TELANGIECTASIA, COMPLEMENTATION GROUP A; ATAXIA-TELANGIECTASIA, FRESNO VARIANT; Ataxia-telangiectasia. Identifiers: Orphanet 100, MedGen C0004135, MONDO:0008840, OMIM 208900.

Submissions (4):

Labcorp Genetics (formerly Invitae), Labcorp
Classification: Likely benign for Ataxia-telangiectasia syndrome. Last evaluated: 2025-12-09. Review status: criteria provided, single submitter. Criteria: Invitae Variant Classification Sherloc (09022015). Collection method: clinical testing. Allele origin: germline.

Myriad Genetics, Inc.
Classification: Likely benign for Familial cancer of breast. Last evaluated: 2024-05-08. Review status: criteria provided, single submitter. Criteria: Myriad Autosomal Dominant, Autosomal Recessive and X-Linked Classification Criteria (2023). Collection method: clinical testing. Allele origin: unknown.
Comment: This variant is considered likely benign. This variant is intronic and is not expected to impact mRNA splicing.

GeneDx
Classification: Likely benign. Last evaluated: 2021-06-04. Review status: criteria provided, single submitter. Criteria: GeneDx Variant Classification Process June 2021. Collection method: clinical testing. Allele origin: germline. Affected: yes.
Comment: Has not been previously published as pathogenic or benign to our knowledge; Also known as IVS17-15_IVS17-12delTTGT; This variant is associated with the following publications: (PMID: 27535533)

Color Diagnostics, LLC DBA Color Health
Classification: Likely benign for Hereditary cancer-predisposing syndrome. Last evaluated: 2017-01-03. Review status: criteria provided, single submitter. Criteria: ACMG Guidelines, 2015. Collection method: clinical testing. Allele origin: germline.